The following is an entry in ClinVar:

NM_002691.4(POLD1):c.2449C>T (p.Arg817Trp)

Gene: POLD1 (DNA polymerase delta 1, catalytic subunit; plus strand). Cytogenetic location: 19q13.33.
Variant type: single nucleotide variant.
Coding change: c.2449C>T on transcript NM_002691.4 (MANE Select); coding-DNA position 2449, C replaced by T.
Protein change: p.Arg817Trp; replaces arginine 817 with tryptophan.
Molecular consequence: missense variant. On other transcripts: non-coding transcript variant (1).
Genome position (GRCh38, 1-based): chr19:50,414,875, C>T. VCF-style: chr19-50414875-C-T. GRCh37 (hg19) VCF-style: chr19-50918132-C-T.
Other names: c.2449C>T, p.Arg817Trp (NM_001256849.1); c.2527C>T, p.Arg843Trp (NM_001308632.1); short protein forms R817W, R843W.
Identifiers: ClinVar variation 566682 (VCV000566682.13), dbSNP rs148176230, ClinGen allele CA9596527.

ClinVar aggregate classification (germline): Uncertain significance. Review status: criteria provided, multiple submitters, no conflicts (2 of 4 stars). 3 submissions from 3 submitters: Uncertain significance (3). Last evaluated 2025-11-17.

Conditions:
POLD1-related polyposis and colorectal cancer syndrome (CRCS10). Also called: Colorectal cancer 10; COLORECTAL CANCER, SUSCEPTIBILITY TO, ON CHROMOSOME 19q; Colorectal cancer, susceptibility to, 10. Identifiers: Orphanet 220460, MedGen C2675481, MONDO:0012953, OMIM 612591.
Hereditary cancer-predisposing syndrome. Also called: Tumor predisposition; Neoplastic Syndromes, Hereditary; Hereditary Cancer Syndrome; Hereditary neoplastic syndrome. Identifiers: Orphanet 140162, MedGen C0027672, MeSH D009386, MONDO:0015356.

Allele frequency attached by ClinVar (database versions not stated): ExAC 0.00001; gnomAD 0.00001; gnomAD exomes 0.00002; TOPMed 0.00002; ESP Exome Variant Server 0.00008.

Submissions (3):

Labcorp Genetics (formerly Invitae), Labcorp
Classification: Uncertain significance for POLD1-related polyposis and colorectal cancer syndrome. Last evaluated: 2025-11-17. Review status: criteria provided, single submitter. Criteria: Invitae Variant Classification Sherloc (09022015). Collection method: clinical testing. Allele origin: germline.
Comment: This sequence change replaces arginine, which is basic and polar, with tryptophan, which is neutral and slightly polar, at codon 817 of the POLD1 protein (p.Arg817Trp). This variant is present in population databases (rs148176230, gnomAD 0.01%). This variant has not been reported in the literature in individuals affected with POLD1-related conditions. ClinVar contains an entry for this variant (Variation ID: 566682). Invitae Evidence Modeling of protein sequence and biophysical properties (such as structural, functional, and spatial information, amino acid conservation, physicochemical variation, residue mobility, and thermodynamic stability) indicates that this missense variant is not expected to disrupt POLD1 protein function with a negative predictive value of 80%. In summary, the available evidence is currently insufficient to determine the role of this variant in disease. Therefore, it has been classified as a Variant of Uncertain Significance.

Ambry Genetics
Classification: Uncertain significance for Hereditary cancer-predisposing syndrome. Last evaluated: 2024-02-24. Review status: criteria provided, single submitter. Criteria: Ambry Variant Classification Scheme 2023. Collection method: clinical testing. Allele origin: germline.
Comment: The p.R817W variant (also known as c.2449C>T), located in coding exon 19 of the POLD1 gene, results from a C to T substitution at nucleotide position 2449. The arginine at codon 817 is replaced by tryptophan, an amino acid with dissimilar properties. This amino acid position is conserved. In addition, this alteration is predicted to be tolerated by in silico analysis. Since supporting evidence is limited at this time, the clinical significance of this alteration remains unclear.

GeneDx
Classification: Uncertain significance. Last evaluated: 2022-04-14. Review status: criteria provided, single submitter. Criteria: GeneDx Variant Classification Process June 2021. Collection method: clinical testing. Allele origin: germline. Affected: yes.
Comment: Has not been previously published as pathogenic or benign to our knowledge; Not observed at significant frequency in large population cohorts (gnomAD); In silico analysis supports that this missense variant has a deleterious effect on protein structure/function; This variant is associated with the following publications: (PMID: 20951805)